The following is an entry in ClinVar:

NM_014714.4(IFT140):c.454C>T (p.Leu152Phe)

Genes: IFT140 (intraflagellar transport 140; minus strand), LOC105371046 (uncharacterized LOC105371046; plus strand). Cytogenetic location: 16p13.3.
Variant type: single nucleotide variant.
Coding change: c.454C>T on transcript NM_014714.4 (MANE Select); coding-DNA position 454, C replaced by T.
Protein change: p.Leu152Phe; replaces leucine 152 with phenylalanine.
Molecular consequence: missense variant.
Genome position (GRCh38, 1-based): chr16:1,592,504, G>A on the plus strand (C>T on the coding strand, the complement: IFT140 is on the minus strand). VCF-style: chr16-1592504-G-A. GRCh37 (hg19) VCF-style: chr16-1642505-G-A.
Other names: short protein forms L152F.
Identifiers: ClinVar variation 523179 (VCV000523179.8), dbSNP rs1403669200, ClinGen allele CA394220715.
Genomic context (GRCh38, chr16:1,592,504, plus strand): 5'-CACAGGGCAAGCCCCACACTTACTCGCCAGGAGGGGGGAGCCGGAAGATGCAGTGCGTGA[G>A]GTGTTTCCCATACTCGTGTTTCAGCAGAGGCGTCCCTTGCACTCGGCCCCTTTGGTCCAA-3'
Protein context (NP_055529.2, residues 142-162): PLLKHEYGKH[Leu152Phe]THCIFRLPPP

ClinVar aggregate classification (germline): Pathogenic/Likely pathogenic. Review status: criteria provided, multiple submitters, no conflicts (2 of 4 stars). 3 submissions from 3 submitters: Pathogenic (1); Likely pathogenic (2). Last evaluated 2025-04-25.

Conditions:
IFT140-related disorders.
Saldino-Mainzer syndrome (SRTD9). Also called: short-rib thoracic dysplasia 9 with or without polydactyly; SHORT-RIB THORACIC DYSPLASIA 9 WITHOUT POLYDACTYLY; CONORENAL SYNDROME; Renal dysplasia, retinal pigmentary dystrophy, cerebellar ataxia and skeletal dysplasia. Identifiers: Orphanet 140969, MedGen C1849437, MONDO:0009964, OMIM 266920.

Allele frequency attached by ClinVar (database versions not stated): gnomAD exomes below 0.00001; gnomAD 0.00001.
gnomAD v4.1: 5 of 1,614,122 alleles (0.00031%); highest among the groups gnomAD compares: Non-Finnish European, 0.00042%; no homozygotes.

Submissions (3):

Labcorp Genetics (formerly Invitae), Labcorp
Classification: Likely pathogenic for Saldino-Mainzer syndrome. Last evaluated: 2025-04-25. Review status: criteria provided, single submitter. Criteria: Invitae Variant Classification Sherloc (09022015). Collection method: clinical testing. Allele origin: germline.
Comment: This sequence change replaces leucine, which is neutral and non-polar, with phenylalanine, which is neutral and non-polar, at codon 152 of the IFT140 protein (p.Leu152Phe). This variant is present in population databases (no rsID available, gnomAD 0.0009%). This missense change has been observed in individual(s) with clinical features of asphyxiating thoracic dystrophy and/or Mainzer-Saldino syndrome (PMID: 23418020, 29688594, 37230223; internal data). In at least one individual the data is consistent with being in trans (on the opposite chromosome) from a pathogenic variant. ClinVar contains an entry for this variant (Variation ID: 523179). Invitae Evidence Modeling of protein sequence and biophysical properties (such as structural, functional, and spatial information, amino acid conservation, physicochemical variation, residue mobility, and thermodynamic stability) indicates that this missense variant is not expected to disrupt IFT140 protein function with a negative predictive value of 95%. In summary, the currently available evidence indicates that the variant is pathogenic, but additional data are needed to prove that conclusively. Therefore, this variant has been classified as Likely Pathogenic.

Blueprint Genetics
Classification: Likely pathogenic for IFT140-related disorders. Last evaluated: 2022-11-04. Review status: criteria provided, single submitter. Criteria: ACMG Guidelines, 2015. Collection method: clinical testing. Allele origin: germline. Affected: yes. Observed: 1 variant allele.

Laboratory of Medical Genetics (UMR_S 1112), INSERM/Strasbourg University
Classification: Pathogenic for Renal dysplasia, retinal pigmentary dystrophy, cerebellar ataxia and skeletal dysplasia. Last evaluated: 2018-01-01. Review status: criteria provided, single submitter. Criteria: Geoffroy et al. (Hum Mutat. 2018). Collection method: research. Allele origin: inherited. Inheritance: Autosomal recessive inheritance. Affected: yes. Observed: 1 variant allele, 1 compound heterozygote.

Literature cited by the submitters: PubMed 23418020 (cited by Labcorp Genetics (formerly Invitae), Labcorp); PubMed 29688594 (cited by Labcorp Genetics (formerly Invitae), Labcorp); PubMed 37230223 (cited by Labcorp Genetics (formerly Invitae), Labcorp).